The following is an entry in ClinVar:

ClinVar aggregate classification (germline): Likely pathogenic (1 of 4 stars; one submission).

Conditions:
Joubert syndrome 21 (JBTS21). Identifiers: MedGen C3810212, MONDO:0014288, OMIM 615636.

Submission:

Labcorp Genetics (formerly Invitae), Labcorp
Classification: Likely pathogenic for Joubert syndrome 21. Last evaluated: 2023-04-15. Review status: criteria provided, single submitter. Criteria: Invitae Variant Classification Sherloc (09022015). Collection method: clinical testing. Allele origin: unknown.
Comment: In summary, the currently available evidence indicates that the variant is pathogenic, but additional data are needed to prove that conclusively. Therefore, this variant has been classified as Likely Pathogenic. This variant has not been reported in the literature in individuals affected with CSPP1-related conditions. This variant results in a copy number gain of the genomic region encompassing exon(s) 27 of the CSPP1 gene. While the exact position of this variant cannot be determined from the data, sub-genic copy number gains are generally in tandem (PMID: 25640679). This variant is predicted to be out-of-frame, and may result in an absent or disrupted protein product. Loss-of-function variants in CSPP1 are known to be pathogenic (PMID: 24360807, 24360808).

Literature cited by the submitters: PubMed 25640679; PubMed 24360807; PubMed 24360808.

NC_000008.10:g.(?_68102865)_(68103014_?)dup

Gene: CSPP1 (centrosome and spindle pole associated protein 1; plus strand). Cytogenetic location: 8q13.2.
Variant type: Duplication.
Identifiers: ClinVar variation 3245534 (VCV003245534.1).